The following is an entry in ClinVar:

ClinVar aggregate classification (germline): Uncertain significance. Review status: criteria provided, multiple submitters, no conflicts (2 of 4 stars). 2 submissions from 2 submitters: Uncertain significance (2). Last evaluated 2024-12-22.

Allele frequency attached by ClinVar (database versions not stated): gnomAD 0.00001; gnomAD exomes 0.00001 and 0.00003; ExAC 0.00002; TOPMed 0.00002.
gnomAD v4.1: 39 of 1,598,592 alleles (0.0024%); highest among the groups gnomAD compares: Non-Finnish European, 0.0031%; no homozygotes.

Submissions (2):

Labcorp Genetics (formerly Invitae), Labcorp
Classification: Uncertain significance. Last evaluated: 2024-12-22. Review status: criteria provided, single submitter. Criteria: Invitae Variant Classification Sherloc (09022015). Collection method: clinical testing. Allele origin: germline.
Comment: This sequence change creates a premature translational stop signal (p.Arg592*) in the DNA2 gene. It is expected to result in an absent or disrupted protein product. However, the current clinical and genetic evidence is not sufficient to establish whether loss-of-function variants in DNA2 cause disease. This variant is present in population databases (rs780946555, gnomAD 0.003%). This variant has not been reported in the literature in individuals affected with DNA2-related conditions. ClinVar contains an entry for this variant (Variation ID: 1415820). Algorithms developed to predict the effect of sequence changes on RNA splicing suggest that this variant may disrupt the consensus splice site. In summary, the available evidence is currently insufficient to determine the role of this variant in disease. Therefore, it has been classified as a Variant of Uncertain Significance.

Women's Health and Genetics/Laboratory Corporation of America, LabCorp
Classification: Uncertain significance. Last evaluated: 2024-05-22. Review status: criteria provided, single submitter. Criteria: LabCorp Variant Classification Summary - May 2015. Collection method: clinical testing. Allele origin: germline.
Comment: Variant summary: DNA2 c.1774C>T (p.Arg592X) results in a premature termination codon, predicted to cause a truncation of the encoded protein or absence of the protein due to nonsense mediated decay, however current evidence is not sufficient to establish loss-of-function variants in DNA2 as causative of disease. The variant allele was found at a frequency of 1.3e-05 in 233192 control chromosomes. The available data on variant occurrences in the general population are insufficient to allow any conclusion about variant significance. To our knowledge, no occurrence of c.1774C>T in individuals affected with Progressive External Ophthalmoplegia With Mitochondrial DNA Deletions, Autosomal Dominant 6 and no experimental evidence demonstrating its impact on protein function have been reported. ClinVar contains an entry for this variant (Variation ID: 1415820). Based on the evidence outlined above, the variant was classified as uncertain significance.

NM_001080449.3(DNA2):c.1774C>T (p.Arg592Ter)

Gene: DNA2 (DNA replication helicase/nuclease 2; minus strand). Cytogenetic location: 10q21.3.
Variant type: single nucleotide variant.
Coding change: c.1774C>T on transcript NM_001080449.3 (MANE Select); coding-DNA position 1774, C replaced by T.
Protein change: p.Arg592Ter; replaces arginine 592 with a stop codon.
Molecular consequence: nonsense. On other transcripts: non-coding transcript variant (1).
Genome position (GRCh38, 1-based): chr10:68,432,305, G>A on the plus strand (C>T on the coding strand, the complement: DNA2 is on the minus strand). VCF-style: chr10-68432305-G-A. GRCh37 (hg19) VCF-style: chr10-70192062-G-A.
Other names: short protein forms R592*.
Identifiers: ClinVar variation 1415820 (VCV001415820.7), dbSNP rs780946555, ClinGen allele CA5524977.